The following is an entry in ClinVar:

NM_052844.4(DYNC2I2):c.1171C>G (p.His391Asp)

Genes: DYNC2I2 (dynein 2 intermediate chain 2; minus strand), LOC126860772 (CDK7 strongly-dependent group 2 enhancer GRCh37_chr9:131396972-131398171; plus strand). Cytogenetic location: 9q34.11.
Variant type: single nucleotide variant.
Coding change: c.1171C>G on transcript NM_052844.4 (MANE Select); coding-DNA position 1171, C replaced by G.
Protein change: p.His391Asp; replaces histidine 391 with aspartic acid.
Molecular consequence: missense variant.
Genome position (GRCh38, 1-based): chr9:128,634,732, G>C on the plus strand (C>G on the coding strand, the complement: DYNC2I2 is on the minus strand). VCF-style: chr9-128634732-G-C. GRCh37 (hg19) VCF-style: chr9-131397011-G-C.
Other names: short protein forms H391D.
Identifiers: ClinVar variation 1029041 (VCV001029041.8), dbSNP rs537004785, ClinGen allele CA5266320.
Genomic context (GRCh38, chr9:128,634,732, plus strand): 5'-AGGCCTGCCCTACGTACCTGTGGAAGGGGGAACAGCTCACAGAGTAGATGGGACCGCCGT[G>C]GGGGGAGAAGGTAAACTGTGCTGGGGCCCGCAGGGGCACGGAGCTGGGCATCCGCGTGAG-3'
Protein context (NP_443076.2, residues 381-401): RAPAQFTFSP[His391Asp]GGPIYSVSCS

ClinVar aggregate classification (germline): Conflicting classifications of pathogenicity. Review status: criteria provided, conflicting classifications (1 of 4 stars). 4 submissions from 4 submitters: Likely pathogenic (1); Uncertain significance (3). Last evaluated 2026-04-22.

Conditions:
Short-rib thoracic dysplasia 11 with or without polydactyly (SRTD11). Also called: SHORT-RIB THORACIC DYSPLASIA 11 WITHOUT POLYDACTYLY. Identifiers: Orphanet 474, Orphanet 93271, MedGen C3810200, MONDO:0014287, OMIM 615633.
Fetal anomalies with a likely genetic cause.

gnomAD v4.1: 24 of 1,595,918 alleles (0.0015%); highest among the groups gnomAD compares: South Asian, 0.01%; no homozygotes.

Submissions (4):

NHS Central & South Genomic Laboratory Hub
Classification: Likely pathogenic for Fetal anomalies with a likely genetic cause. Last evaluated: 2026-04-22. Review status: criteria provided, single submitter. Criteria: ACMG Guidelines, 2015. Collection method: clinical testing. Allele origin: germline. Affected: yes.

Institute of Human Genetics, Clinical Exome/Genome Diagnostics Group, University Hospital Bonn
Classification: Uncertain significance for Short-rib thoracic dysplasia 11 with or without polydactyly. Last evaluated: 2023-12-14. Review status: criteria provided, single submitter. Criteria: ACMG Guidelines, 2015. Collection method: clinical testing. Allele origin: germline. Affected: yes.

Labcorp Genetics (formerly Invitae), Labcorp
Classification: Uncertain significance for Short-rib thoracic dysplasia 11 with or without polydactyly. Last evaluated: 2021-08-30. Review status: criteria provided, single submitter. Criteria: Invitae Variant Classification Sherloc (09022015). Collection method: clinical testing. Allele origin: germline.
Comment: This sequence change replaces histidine with aspartic acid at codon 391 of the WDR34 protein (p.His391Asp). The histidine residue is highly conserved and there is a moderate physicochemical difference between histidine and aspartic acid. This variant is present in population databases (rs537004785, ExAC 0.06%). This variant has not been reported in the literature in individuals affected with WDR34-related conditions. Algorithms developed to predict the effect of missense changes on protein structure and function are either unavailable or do not agree on the potential impact of this missense change (SIFT: "Deleterious"; PolyPhen-2: "Probably Damaging"; Align-GVGD: "Class C0"). In summary, the available evidence is currently insufficient to determine the role of this variant in disease. Therefore, it has been classified as a Variant of Uncertain Significance.

Baylor Genetics
Classification: Uncertain significance for Short-rib thoracic dysplasia 11 with or without polydactyly. Last evaluated: 2020-07-08. Review status: criteria provided, single submitter. Criteria: ACMG Guidelines, 2015. Collection method: clinical testing. Allele origin: unknown. Affected: yes.
Comment: This variant was determined to be of uncertain significance according to ACMG Guidelines, 2015 [PMID:25741868].